The following is an entry in ClinVar:

NM_000393.5(COL5A2):c.3971_3974del (p.Ile1324fs)

Gene: COL5A2 (collagen type V alpha 2 chain; minus strand). Cytogenetic location: 2q32.2.
Variant type: Deletion.
Coding change: c.3971_3974del on transcript NM_000393.5 (MANE Select); coding-DNA positions 3971 to 3974, 4 bases deleted (TCAA; older notation c.3971_3974delTCAA).
Protein change: p.Ile1324fs; shifts the reading frame from isoleucine 1324.
Molecular consequence: frameshift variant.
Genome position (GRCh38, 1-based): chr2:189,036,755-189,036,758, TTGA deleted on the plus strand (TCAA on the coding strand, the reverse complement: COL5A2 is on the minus strand); deleting any 4 consecutive bases within chr2:189,036,755-189,036,761 gives the same sequence; the c. name uses the placement nearest the transcript's 3' end. VCF-style (leftmost placement, unchanged base first): chr2-189036754-TTTGA-T. GRCh37 (hg19) VCF-style: chr2-189901480-TTTGA-T.
Other names: short protein forms I1324fs.
Identifiers: ClinVar variation 3344431 (VCV003344431.1).

ClinVar aggregate classification (germline): Likely pathogenic (0 of 4 stars; one submission).

Conditions:
COL5A2-related disorder. Also called: COL5A2-related condition.

Submission:

PreventionGenetics, part of Exact Sciences
Classification: Likely pathogenic for COL5A2-related condition. Last evaluated: 2024-09-20. Review status: no assertion criteria provided. Collection method: clinical testing. Allele origin: germline.
Comment: The COL5A2 c.3971_3974delTCAA variant is predicted to result in a frameshift and premature protein termination (p.Ile1324Lysfs*42). To our knowledge, this variant has not been reported in the literature or in a large population database, indicating this variant is rare. Frameshift variants in COL5A2 are expected to be pathogenic. This variant is interpreted as likely pathogenic.